The following is an entry in ClinVar:

NM_005431.2(XRCC2):c.-14G>A

Gene: XRCC2 (X-ray repair cross complementing 2; minus strand). Cytogenetic location: 7q36.1.
Variant type: single nucleotide variant.
Coding change: c.-14G>A on transcript NM_005431.2 (MANE Select); 14 bases upstream of the start codon, G replaced by A.
Molecular consequence: 5 prime UTR variant.
Genome position (GRCh38, 1-based): chr7:152,676,093, C>T on the plus strand (G>A on the coding strand, the complement: XRCC2 is on the minus strand). VCF-style: chr7-152676093-C-T. GRCh37 (hg19) VCF-style: chr7-152373178-C-T.
Identifiers: ClinVar variation 387694 (VCV000387694.1), dbSNP rs750338805, ClinGen allele CA4582454.
Genomic context (GRCh38, chr7:152,676,093, plus strand): 5'-GCTCTCACCTCGGTCCCAGACTCAGCCCTATGGAAGGCACTACACATCGCCCCGAAGGCT[C>T]GGCGCAGGAGAGACTCAACTTTCCCGCCACCAACGCCATTCACCAACTGCGCAGACTCTA-3'

ClinVar aggregate classification (germline): Likely benign (1 of 4 stars; one submission).

Allele frequency attached by ClinVar (database versions not stated): gnomAD exomes below 0.00001 and 0.00001; ExAC 0.00002; gnomAD 0.00002 and 0.00003; TOPMed 0.00003.
gnomAD v4.1: 18 of 1,613,630 alleles (0.0011%); highest among the groups gnomAD compares: African/African-American, 0.004%; no homozygotes.

Submission:

GeneDx
Classification: Likely benign. Last evaluated: 2016-07-12. Review status: criteria provided, single submitter. Criteria: GeneDx Variant Classification (06012015). Collection method: clinical testing. Allele origin: germline. Affected: yes.
Comment: This variant is considered likely benign or benign based on one or more of the following criteria: it is a conservative change, it occurs at a poorly conserved position in the protein, it is predicted to be benign by multiple in silico algorithms, and/or has population frequency not consistent with disease.